The following is an entry in ClinVar:

ClinVar aggregate classification (germline): Conflicting classifications of pathogenicity. Review status: criteria provided, conflicting classifications (1 of 4 stars). 2 submissions from 2 submitters: Uncertain significance (1); Likely benign (1). Last evaluated 2025-09-10.

Conditions:
Inborn genetic diseases. Identifiers: MedGen C0950123, MeSH D030342.

gnomAD v4.1: 15 of 1,203,921 alleles (0.0012%); highest among the groups gnomAD compares: Non-Finnish European, 0.0016%; no homozygotes.

Submissions (2):

Ambry Genetics
Classification: Likely benign for Inborn genetic diseases. Last evaluated: 2025-09-10. Review status: criteria provided, single submitter. Criteria: Ambry Variant Classification Scheme 2023. Collection method: clinical testing. Allele origin: germline.

Labcorp Genetics (formerly Invitae), Labcorp
Classification: Uncertain significance. Last evaluated: 2025-04-17. Review status: criteria provided, single submitter. Criteria: Invitae Variant Classification Sherloc (09022015). Collection method: clinical testing. Allele origin: germline.
Comment: This sequence change replaces alanine, which is neutral and non-polar, with serine, which is neutral and polar, at codon 1114 of the AMER1 protein (p.Ala1114Ser). The frequency data for this variant in the population databases is considered unreliable, as metrics indicate poor data quality at this position in the gnomAD database. This variant has not been reported in the literature in individuals affected with AMER1-related conditions. ClinVar contains an entry for this variant (Variation ID: 3608307). An algorithm developed to predict the effect of missense changes on protein structure and function outputs the following: PolyPhen-2: "Benign". The serine amino acid residue is found in multiple mammalian species, which suggests that this missense change does not adversely affect protein function. In summary, the available evidence is currently insufficient to determine the role of this variant in disease. Therefore, it has been classified as a Variant of Uncertain Significance.

NM_152424.4(AMER1):c.3340G>T (p.Ala1114Ser)

Gene: AMER1 (APC membrane recruitment protein 1; minus strand). Cytogenetic location: Xq11.2.
Variant type: single nucleotide variant.
Coding change: c.3340G>T on transcript NM_152424.4 (MANE Select); coding-DNA position 3340, G replaced by T.
Protein change: p.Ala1114Ser; replaces alanine 1114 with serine.
Molecular consequence: missense variant.
Genome position (GRCh38, 1-based): chrX:64,189,947, C>A on the plus strand (G>T on the coding strand, the complement: AMER1 is on the minus strand). VCF-style: chrX-64189947-C-A. GRCh37 (hg19) VCF-style: chrX-63409827-C-A.
Other names: c.3340G>T (NM_152424.3); short protein forms A1114S.
Identifiers: ClinVar variation 3608307 (VCV003608307.3).